The following is an entry in ClinVar:

NM_000152.5(GAA):c.1589del (p.Glu530fs)

Gene: GAA (alpha glucosidase; plus strand). Cytogenetic location: 17q25.3.
Variant type: Deletion.
Coding change: c.1589del on transcript NM_000152.5 (MANE Select); coding-DNA position 1589, one base deleted (A; older notation c.1589delA).
Protein change: p.Glu530fs; shifts the reading frame from glutamic acid 530.
Molecular consequence: frameshift variant.
Genome position (GRCh38, 1-based): chr17:80,110,978, A deleted. VCF-style (leftmost placement, unchanged base first): chr17-80110977-GA-G. GRCh37 (hg19) VCF-style: chr17-78084776-GA-G.
Other names: c.1589del, p.Glu530fs (NM_001079803.3, NM_001079804.3, NM_001406741.1 and 1 more transcripts); short protein forms E530fs.
Identifiers: ClinVar variation 2861781 (VCV002861781.4), dbSNP rs777173465, ClinGen allele CA8815386.

ClinVar aggregate classification (germline): Pathogenic/Likely pathogenic. Review status: criteria provided, multiple submitters, no conflicts (2 of 4 stars). 2 submissions from 2 submitters: Pathogenic (1); Likely pathogenic (1). Last evaluated 2026-07-01.

Conditions:
Glycogen storage disease, type II (IOPD). Also called: CARDIOMEGALIA GLYCOGENICA DIFFUSA; GLYCOGENOSIS, GENERALIZED, CARDIAC FORM; GSD II; Glycogen storage disease type 2; Acid maltase deficiency disease; Aglucosidase alfa. Identifiers: Orphanet 365, MedGen C0017921, MONDO:0009290, OMIM 232300.

Allele frequency attached by ClinVar (database versions not stated): ExAC 0.00001.

Submissions (2):

Genomenon, Inc
Classification: Likely pathogenic for Glycogen storage disease, type II. Last evaluated: 2026-07-01. Review status: criteria provided, single submitter. Criteria: Genomenon Sequence Variant Interpretation Standards - Updated. Collection method: curation. Allele origin: germline. Affected: no.
Comment: GAA p.Glu530GlyfsTer48 (c.1589del) is a frameshift variant that is predicted to introduce a premature termination codon and result in a truncated or absent protein product. This variant has been reported in the published literature (PMID:36246652). It is absent or not present at a significant frequency in gnomAD. In conclusion, we classify GAA p.Glu530GlyfsTer48 (c.1589del) as a likely pathogenic variant.

Labcorp Genetics (formerly Invitae), Labcorp
Classification: Pathogenic for Glycogen storage disease, type II. Last evaluated: 2023-05-02. Review status: criteria provided, single submitter. Criteria: Invitae Variant Classification Sherloc (09022015). Collection method: clinical testing. Allele origin: germline.
Comment: For these reasons, this variant has been classified as Pathogenic. This variant has not been reported in the literature in individuals affected with GAA-related conditions. This variant is present in population databases (rs777173465, gnomAD 0.0009%). This sequence change creates a premature translational stop signal (p.Glu530Glyfs*48) in the GAA gene. It is expected to result in an absent or disrupted protein product. Loss-of-function variants in GAA are known to be pathogenic (PMID: 18425781, 22252923).

Literature cited by the submitters: PubMed 36246652 (cited by Genomenon, Inc); PubMed 18425781 (cited by Labcorp Genetics (formerly Invitae), Labcorp); PubMed 22252923 (cited by Labcorp Genetics (formerly Invitae), Labcorp).